The following is an entry in ClinVar:

NM_031942.5(CDCA7):c.1243G>A (p.Asp415Asn)

Gene: CDCA7 (cell division cycle associated 7; plus strand). Cytogenetic location: 2q31.1.
Variant type: single nucleotide variant.
Coding change: c.1243G>A on transcript NM_031942.5 (MANE Select); coding-DNA position 1243, G replaced by A.
Protein change: p.Asp415Asn; replaces aspartic acid 415 with asparagine.
Molecular consequence: missense variant.
Genome position (GRCh38, 1-based): chr2:173,367,207, G>A. VCF-style: chr2-173367207-G-A. GRCh37 (hg19) VCF-style: chr2-174231935-G-A.
Other names: c.1006G>A, p.Asp336Asn (NM_145810.3); c.1243G>A (NM_031942.4); short protein forms D336N, D415N.
Identifiers: ClinVar variation 1346238 (VCV001346238.9), dbSNP rs761979612, ClinGen allele CA1971474.

ClinVar aggregate classification (germline): Uncertain significance. Review status: criteria provided, multiple submitters, no conflicts (2 of 4 stars). 2 submissions from 2 submitters: Uncertain significance (2). Last evaluated 2021-09-16.

Allele frequency attached by ClinVar (database versions not stated): gnomAD 0.00001; TOPMed 0.00002.

Submissions (2):

Ambry Genetics
Classification: Uncertain significance. Last evaluated: 2021-09-16. Review status: criteria provided, single submitter. Criteria: Ambry Variant Classification Scheme 2023. Collection method: clinical testing. Allele origin: germline.

Labcorp Genetics (formerly Invitae), Labcorp
Classification: Uncertain significance. Last evaluated: 2021-05-27. Review status: criteria provided, single submitter. Criteria: Invitae Variant Classification Sherloc (09022015). Collection method: clinical testing. Allele origin: germline.
Comment: In summary, the available evidence is currently insufficient to determine the role of this variant in disease. Therefore, it has been classified as a Variant of Uncertain Significance. Algorithms developed to predict the effect of missense changes on protein structure and function are either unavailable or do not agree on the potential impact of this missense change (SIFT: "Tolerated"; PolyPhen-2: "Probably Damaging"; Align-GVGD: "Class C0"). This variant has not been reported in the literature in individuals with CDCA7-related conditions. This variant is present in population databases (rs761979612, ExAC 0.003%). This sequence change replaces aspartic acid with asparagine at codon 415 of the CDCA7 protein (p.Asp415Asn). The aspartic acid residue is highly conserved and there is a small physicochemical difference between aspartic acid and asparagine.